The following is an entry in ClinVar:

ClinVar aggregate classification (germline): Conflicting classifications of pathogenicity. Review status: criteria provided, conflicting classifications (1 of 4 stars). 12 submissions from 12 submitters: Uncertain significance (2); Benign (3); Likely benign (7). Last evaluated 2026-01-31.

Conditions:
Cardiovascular phenotype. Identifiers: MedGen CN230736.
Long QT syndrome 2 (LQT2). Identifiers: Orphanet 101016, Orphanet 768, MedGen C3150943, MONDO:0013367, OMIM 613688.
Cardiac arrhythmia. Also called: Cardiac rhythm disease; Arrhythmia. Identifiers: MedGen C0003811, MONDO:0007263, HP:0011675.
Long QT syndrome (LQTS). Identifiers: MedGen C0023976, MeSH D008133, MONDO:0002442. Disease mechanism: loss of function. Inheritance: Various modes of inheritance.

Allele frequency attached by ClinVar (database versions not stated): 1000 Genomes Project 30x 0.00016; 1000 Genomes Project 0.00020; TOPMed 0.00021; ESP Exome Variant Server 0.00054.
gnomAD v4.1: 464 of 1,614,166 alleles (0.029%); highest among the groups gnomAD compares: Middle Eastern, 1.7%; 9 homozygotes.

Submissions (12):

Labcorp Genetics (formerly Invitae), Labcorp
Classification: Benign for Long QT syndrome. Last evaluated: 2026-01-31. Review status: criteria provided, single submitter. Criteria: Invitae Variant Classification Sherloc (09022015). Collection method: clinical testing. Allele origin: germline.

CeGaT Center for Human Genetics Tuebingen
Classification: Likely benign. Last evaluated: 2026-01-01. Review status: criteria provided, single submitter. Criteria: CeGaT Center For Human Genetics Tuebingen Variant Classification Criteria Version 2. Collection method: clinical testing. Allele origin: germline. Affected: yes. Observed: 5 variant alleles.
Comment: KCNH2: BP4, BP7

ARUP Laboratories, Molecular Genetics and Genomics, ARUP Laboratories
Classification: Likely benign. Last evaluated: 2025-03-31. Review status: criteria provided, single submitter. Criteria: ARUP Molecular Germline Variant Investigation Process 2024. Collection method: clinical testing. Allele origin: germline.

Blueprint Genetics
Classification: Likely benign. Last evaluated: 2024-11-20. Review status: criteria provided, single submitter. Criteria: ACMG Guidelines, 2015. Collection method: clinical testing. Allele origin: germline.

All of Us Research Program, National Institutes of Health
Classification: Likely benign for Long QT syndrome. Last evaluated: 2024-02-05. Review status: criteria provided, single submitter. Criteria: ACMG Guidelines, 2015. Collection method: clinical testing. Allele origin: germline. Inheritance: Autosomal dominant inheritance. Observed: 69 variant alleles, 69 heterozygotes.
Comment: This study involves interpretation of variants in research participants for the purpose of population health screening. Participant phenotype was not available at the time of variant classification. Additional details can be found in publication PMID: 35346344, PMCID: PMC8962531

Women's Health and Genetics/Laboratory Corporation of America, LabCorp
Classification: Benign. Last evaluated: 2021-11-21. Review status: criteria provided, single submitter. Criteria: LabCorp Variant Classification Summary - May 2015. Collection method: clinical testing. Allele origin: germline.

Athena Diagnostics
Classification: Likely benign. Last evaluated: 2019-01-08. Review status: criteria provided, single submitter. Criteria: Athena Diagnostics Criteria. Collection method: clinical testing. Allele origin: germline.

Color Diagnostics, LLC DBA Color Health
Classification: Likely benign for Arrhythmia. Last evaluated: 2018-09-28. Review status: criteria provided, single submitter. Criteria: ACMG Guidelines, 2015. Collection method: clinical testing. Allele origin: germline.

Illumina Laboratory Services, Illumina
Classification: Uncertain significance for Long QT syndrome 2. Last evaluated: 2018-01-13. Review status: criteria provided, single submitter. Criteria: ICSL Variant Classification Criteria 13 December 2019. Collection method: clinical testing. Allele origin: germline.

Eurofins Ntd Llc (ga)
Classification: Uncertain significance. Last evaluated: 2017-01-16. Review status: criteria provided, single submitter. Criteria: EGL Classification Definitions 2015. Collection method: clinical testing. Allele origin: germline. Observed: 1 variant allele, 1 heterozygote.

Ambry Genetics
Classification: Likely benign for Cardiovascular phenotype. Last evaluated: 2015-09-21. Review status: criteria provided, single submitter. Criteria: Ambry Variant Classification Scheme 2023. Collection method: clinical testing. Allele origin: germline.

GeneDx
Classification: Benign. Last evaluated: 2015-03-03. Review status: criteria provided, single submitter. Criteria: GeneDx Variant Classification Process June 2021. Collection method: clinical testing. Allele origin: germline. Affected: yes.

NM_000238.4(KCNH2):c.1320G>T (p.Pro440=)

Gene: KCNH2 (potassium voltage-gated channel subfamily H member 2; minus strand). Cytogenetic location: 7q36.1.
Variant type: single nucleotide variant.
Coding change: c.1320G>T on transcript NM_000238.4 (MANE Select); coding-DNA position 1320, G replaced by T.
Protein change: p.Pro440=; no amino-acid change (proline 440 retained).
Molecular consequence: synonymous variant. On other transcripts: non-coding transcript variant (2).
Genome position (GRCh38, 1-based): chr7:150,952,662, C>A on the plus strand (G>T on the coding strand, the complement: KCNH2 is on the minus strand). VCF-style: chr7-150952662-C-A. GRCh37 (hg19) VCF-style: chr7-150649750-C-A.
Other names: c.1320G>T (NM_000238.2); c.300G>T, p.Pro100= (NM_001204798.2, NM_172057.3); c.1032G>T, p.Pro344= (NM_001406753.1, NM_001406756.1); c.1143G>T, p.Pro381= (NM_001406755.1); c.1020G>T, p.Pro340= (NM_001406757.1); c.1320G>T, p.Pro440= (NM_172056.3).
Identifiers: ClinVar variation 215441 (VCV000215441.60), dbSNP rs144926928, ClinGen allele CA027675.
Genomic context (GRCh38, chr7:150,952,662, plus strand): 5'-GTCCACGATGAGGTCCACCACAGCCAGCGGCTGGCAGGCGTAGCCACACTCGGTAGCAGG[C>A]GGGCCTTCTTCCGTCTCCTTCAGCAGGAAGGCAGCCGAGTAGGGTGTGAAGACAGCCGTG-3'
Protein context (NP_000229.1, residues 430-450): AFLLKETEEG[Pro440=]PATECGYACQ